The following is an entry in ClinVar:

NM_145207.3(AFG2A):c.2214-5A>G

Gene: AFG2A (AFG2 AAA ATPase homolog A; plus strand). Cytogenetic location: 4q28.1.
Variant type: single nucleotide variant.
Coding change: c.2214-5A>G on transcript NM_145207.3 (MANE Select); 5 bases into the intron before coding-DNA position 2214, A replaced by G.
Molecular consequence: intron variant.
Genome position (GRCh38, 1-based): chr4:123,090,574, A>G. VCF-style: chr4-123090574-A-G. GRCh37 (hg19) VCF-style: chr4-124011729-A-G.
Other names: c.2211-5A>G (NM_001345856.2).
Identifiers: ClinVar variation 585281 (VCV000585281.3), dbSNP rs1560952661, ClinGen allele CA891843225.

ClinVar aggregate classification (germline): Uncertain significance. Review status: criteria provided, multiple submitters, no conflicts (2 of 4 stars). 2 submissions from 2 submitters: Uncertain significance (2). Last evaluated 2020-07-10.

Conditions:
Microcephaly-intellectual disability-sensorineural hearing loss-epilepsy-abnormal muscle tone syndrome (NEDHSB). Also called: NEURODEVELOPMENTAL DISORDER WITH HEARING LOSS, SEIZURES, AND BRAIN ABNORMALITIES. Identifiers: Orphanet 457351, MedGen C4225276, MONDO:0014698, OMIM 616577.

Allele frequency attached by ClinVar (database versions not stated): TOPMed below 0.00001.

Submissions (2):

New York Genome Center
Classification: Uncertain significance for Microcephaly-intellectual disability-sensorineural hearing loss-epilepsy-abnormal muscle tone syndrome. Last evaluated: 2020-07-10. Review status: criteria provided, single submitter. Criteria: NYGC Assertion Criteria 2020. Collection method: clinical testing. Allele origin: inherited. Observed: 1 heterozygote. Study: CSER-NYCKidSeq.

Center of Genomic medicine, Geneva, University Hospital of Geneva
Classification: Uncertain significance for Epilepsy, hearing loss, and mental retardation syndrome. Last evaluated: 2017-06-12. Review status: criteria provided, single submitter. Criteria: ACMG Guidelines, 2015. Collection method: clinical testing. Allele origin: inherited. Affected: yes and no. Observed: 6 variant alleles.